The following is an entry in ClinVar:

NM_001039958.2(MESP2):c.241G>T (p.Gly81Ter)

Genes: MESP2 (mesoderm posterior bHLH transcription factor 2; plus strand), LOC130057891 (ATAC-STARR-seq lymphoblastoid silent region 6806; plus strand). Cytogenetic location: 15q26.1.
Variant type: single nucleotide variant.
Coding change: c.241G>T on transcript NM_001039958.2 (MANE Select); coding-DNA position 241, G replaced by T.
Protein change: p.Gly81Ter; replaces glycine 81 with a stop codon.
Molecular consequence: nonsense.
Genome position (GRCh38, 1-based): chr15:89,776,598, G>T. VCF-style: chr15-89776598-G-T. GRCh37 (hg19) VCF-style: chr15-90319829-G-T.
Other names: short protein forms G81*.
Identifiers: ClinVar variation 38907 (VCV000038907.13), dbSNP rs118204034, ClinGen allele CA343154.
Genomic context (GRCh38, chr15:89,776,598, plus strand): 5'-TCCCGAGCCGCAGAGGCAGCCGCGACGACGCCCAGACGAGCGCGCACCGGACCAGCGGGC[G>T]GACAGCGGCAGAGCGCCAGCGAGCGGGAGAAACTGCGCATGCGCACGCTGGCCCGCGCCC-3'

ClinVar aggregate classification (germline): Pathogenic/Likely pathogenic. Review status: criteria provided, multiple submitters, no conflicts (2 of 4 stars). 4 submissions from 4 submitters: Pathogenic (1); Likely pathogenic (1). 2 of the submissions do not count toward it. Last evaluated 2025-12-03.

Conditions:
Spondylocostal dysostosis 2, autosomal recessive (SCDO2). Also called: MESP2-Related Spondylocostal Dysostosis, Autosomal Recessive; Spondylocostal dysostosis type 2. Identifiers: Orphanet 2311, MedGen C1837549, MONDO:0012097, OMIM 608681.

Allele frequency attached by ClinVar (database versions not stated): ExAC below 0.00001; TOPMed 0.00002.

Submissions (4):

Labcorp Genetics (formerly Invitae), Labcorp
Classification: Pathogenic. Last evaluated: 2025-12-03. Review status: criteria provided, single submitter. Criteria: Invitae Variant Classification Sherloc (09022015). Collection method: clinical testing. Allele origin: germline.
Comment: This sequence change creates a premature translational stop signal (p.Gly81*) in the MESP2 gene. It is expected to result in an absent or disrupted protein product. Loss-of-function variants in MESP2 are known to be pathogenic (PMID: 9242490, 18485326). The frequency data for this variant in the population databases is considered unreliable, as metrics indicate poor data quality at this position in the gnomAD database. This variant has not been reported in the literature in individuals affected with MESP2-related conditions. ClinVar contains an entry for this variant (Variation ID: 38907). For these reasons, this variant has been classified as Pathogenic.

Natera, Inc.
Classification: Likely pathogenic for Spondylocostal dysostosis type 2. Last evaluated: 2024-07-25. Review status: criteria provided, single submitter. Criteria: Natera Variant Classification Schema (03/2026). Collection method: clinical testing. Allele origin: germline.
Comment: The c.241G>T variant in MESP2 is a nonsense variant predicted to introduce a stop codon at amino acid 81. This variant is expected to result in nonsense mediated decay, truncation, or a dysfunctional protein product. This variant is rare in the general population with a frequency below the threshold expected for the associated phenotype(s). Given the available evidence, this variant is classified as Likely Pathogenic.

Counsyl
Classification: Likely pathogenic for Spondylocostal dysostosis 2, autosomal recessive. Last evaluated: 2017-08-30. Review status: no assertion criteria provided. Collection method: clinical testing. Allele origin: unknown. Not counted in ClinVar's aggregate classification.

GeneReviews
Classification: Pathogenic for Spondylothoracic Dysostosis. Last evaluated: 2010-08-05. Review status: no assertion criteria provided. Collection method: curation. Allele origin: unknown. Not counted in ClinVar's aggregate classification.
ClinVar note: Converted during submission from pathologic to Pathogenic.

Literature cited by the submitters: PubMed 9242490 (cited by Labcorp Genetics (formerly Invitae), Labcorp); PubMed 18485326 (cited by Labcorp Genetics (formerly Invitae), Labcorp).